The following is an entry in ClinVar:

NM_020631.6(PLEKHG5):c.1471T>A (p.Tyr491Asn)

Gene: PLEKHG5 (pleckstrin homology and RhoGEF domain containing G5; minus strand). Cytogenetic location: 1p36.31.
Variant type: single nucleotide variant.
Coding change: c.1471T>A on transcript NM_020631.6 (MANE Select); coding-DNA position 1471, T replaced by A.
Protein change: p.Tyr491Asn; replaces tyrosine 491 with asparagine.
Molecular consequence: missense variant.
Genome position (GRCh38, 1-based): chr1:6,470,806, A>T on the plus strand (T>A on the coding strand, the complement: PLEKHG5 is on the minus strand). VCF-style: chr1-6470806-A-T. GRCh37 (hg19) VCF-style: chr1-6530866-A-T.
Other names: c.1582T>A, p.Tyr528Asn (NM_001042663.3, NM_001265592.2); c.1471T>A, p.Tyr491Asn (NM_001042664.2, NM_001042665.2, NM_001265594.3 and 1 more transcripts); c.1678T>A, p.Tyr560Asn (NM_001265593.2); short protein forms Y491N, Y560N, Y528N.
Identifiers: ClinVar variation 1028663 (VCV001028663.10), dbSNP rs1644549269, ClinGen allele CA338126705.

ClinVar aggregate classification (germline): Uncertain significance. Review status: criteria provided, multiple submitters, no conflicts (2 of 4 stars). 2 submissions from 2 submitters: Uncertain significance (2). Last evaluated 2020-05-25.

Conditions:
Neuronopathy, distal hereditary motor, autosomal recessive 4. Also called: NEUROPATHY, DISTAL HEREDITARY MOTOR, AUTOSOMAL RECESSIVE 4; Autosomal recessive lower motor neuron disease with childhood onset. Identifiers: Orphanet 206580, MedGen C1970211, MONDO:0012608, OMIM 611067.
Charcot-Marie-Tooth disease recessive intermediate C. Also called: CHARCOT-MARIE-TOOTH NEUROPATHY, RECESSIVE INTERMEDIATE C. Identifiers: Orphanet 369867, MedGen C3809309, MONDO:0014154, OMIM 615376.

Submissions (2):

Labcorp Genetics (formerly Invitae), Labcorp
Classification: Uncertain significance for Neuronopathy, distal hereditary motor, autosomal recessive 4; Charcot-Marie-Tooth disease recessive intermediate C. Last evaluated: 2020-05-25. Review status: criteria provided, single submitter. Criteria: Invitae Variant Classification Sherloc (09022015). Collection method: clinical testing. Allele origin: germline.
Comment: In summary, the available evidence is currently insufficient to determine the role of this variant in disease. Therefore, it has been classified as a Variant of Uncertain Significance. Algorithms developed to predict the effect of missense changes on protein structure and function are either unavailable or do not agree on the potential impact of this missense change (SIFT: "Deleterious"; PolyPhen-2: "Probably Damaging"; Align-GVGD: "Class C0"). This variant has not been reported in the literature in individuals with PLEKHG5-related conditions. This variant is not present in population databases (ExAC no frequency). This sequence change replaces tyrosine with asparagine at codon 491 of the PLEKHG5 protein (p.Tyr491Asn). The tyrosine residue is highly conserved and there is a large physicochemical difference between tyrosine and asparagine.

Baylor Genetics
Classification: Uncertain significance for Charcot-Marie-Tooth disease recessive intermediate C. Last evaluated: 2020-05-07. Review status: criteria provided, single submitter. Criteria: ACMG Guidelines, 2015. Collection method: clinical testing. Allele origin: unknown. Affected: yes.
Comment: This variant was determined to be of uncertain significance according to ACMG Guidelines, 2015 [PMID:25741868].